The following is an entry in ClinVar:

NM_004415.4(DSP):c.7585G>A (p.Asp2529Asn)

Gene: DSP (desmoplakin; plus strand). Cytogenetic location: 6p24.3.
Variant type: single nucleotide variant.
Coding change: c.7585G>A on transcript NM_004415.4 (MANE Select); coding-DNA position 7585, G replaced by A.
Protein change: p.Asp2529Asn; replaces aspartic acid 2529 with asparagine.
Molecular consequence: missense variant.
Genome position (GRCh38, 1-based): chr6:7,584,847, G>A. VCF-style: chr6-7584847-G-A. GRCh37 (hg19) VCF-style: chr6-7585080-G-A.
Other names: c.5788G>A, p.Asp1930Asn (NM_001008844.3); c.6256G>A, p.Asp2086Asn (NM_001319034.2); short protein forms D1930N, D2086N, D2529N.
Identifiers: ClinVar variation 1061768 (VCV001061768.9), dbSNP rs1759581655, ClinGen allele CA362693336.

ClinVar aggregate classification (germline): Uncertain significance (1 of 4 stars; one submission).

Conditions:
Arrhythmogenic cardiomyopathy with wooly hair and keratoderma. Also called: Arrhythmogenic cardiomyopathy with woolly hair and keratoderma; Carvajal syndrome; Dilated cardiomyopathy with woolly hair and keratoderma; PALMOPLANTAR KERATODERMA WITH LEFT VENTRICULAR CARDIOMYOPATHY AND WOOLLY HAIR. Identifiers: Orphanet 65282, MedGen C1854063, MONDO:0011581, OMIM 605676.
Arrhythmogenic right ventricular dysplasia 8 (ARVD8). Also called: Arrhythmogenic Right Ventricular Dysplasia/Cardiomyopathy 8; ARRHYTHMOGENIC RIGHT VENTRICULAR DYSPLASIA, FAMILIAL, 8; ARRHYTHMOGENIC RIGHT VENTRICULAR CARDIOMYOPATHY 8. Identifiers: MedGen C1843896, MONDO:0011831, OMIM 607450.

Submission:

Labcorp Genetics (formerly Invitae), Labcorp
Classification: Uncertain significance for Arrhythmogenic cardiomyopathy with wooly hair and keratoderma; Arrhythmogenic right ventricular dysplasia 8. Last evaluated: 2022-01-14. Review status: criteria provided, single submitter. Criteria: Invitae Variant Classification Sherloc (09022015). Collection method: clinical testing. Allele origin: germline.
Comment: This sequence change replaces aspartic acid, which is acidic and polar, with asparagine, which is neutral and polar, at codon 2529 of the DSP protein (p.Asp2529Asn). This variant is not present in population databases (gnomAD no frequency). This variant has not been reported in the literature in individuals affected with DSP-related conditions. ClinVar contains an entry for this variant (Variation ID: 1061768). Algorithms developed to predict the effect of missense changes on protein structure and function are either unavailable or do not agree on the potential impact of this missense change (SIFT: "Tolerated"; PolyPhen-2: "Probably Damaging"; Align-GVGD: "Class C0"). In summary, the available evidence is currently insufficient to determine the role of this variant in disease. Therefore, it has been classified as a Variant of Uncertain Significance.